The following is an entry in ClinVar:

ClinVar aggregate classification (germline): Uncertain significance (1 of 4 stars; one submission).

gnomAD v4.1: 13 of 1,612,664 alleles (0.00081%); highest among the groups gnomAD compares: African/African-American, 0.0013%; no homozygotes.

Submission:

Labcorp Genetics (formerly Invitae), Labcorp
Classification: Uncertain significance. Last evaluated: 2025-06-02. Review status: criteria provided, single submitter. Criteria: Invitae Variant Classification Sherloc (09022015). Collection method: clinical testing. Allele origin: germline.
Comment: This sequence change replaces proline, which is neutral and non-polar, with alanine, which is neutral and non-polar, at codon 251 of the NXN protein (p.Pro251Ala). This variant is present in population databases (rs372695435, gnomAD 0.002%). This variant has not been reported in the literature in individuals affected with NXN-related conditions. An algorithm developed to predict the effect of missense changes on protein structure and function (PolyPhen-2) suggests that this variant is likely to be disruptive. In summary, the available evidence is currently insufficient to determine the role of this variant in disease. Therefore, it has been classified as a Variant of Uncertain Significance.

NM_022463.5(NXN):c.751C>G (p.Pro251Ala)

Gene: NXN (nucleoredoxin; minus strand). Cytogenetic location: 17p13.3.
Variant type: single nucleotide variant.
Coding change: c.751C>G on transcript NM_022463.5 (MANE Select); coding-DNA position 751, C replaced by G.
Protein change: p.Pro251Ala; replaces proline 251 with alanine.
Molecular consequence: missense variant.
Genome position (GRCh38, 1-based): chr17:819,508, G>C on the plus strand (C>G on the coding strand, the complement: NXN is on the minus strand). VCF-style: chr17-819508-G-C. GRCh37 (hg19) VCF-style: chr17-722748-G-C.
Other names: c.427C>G, p.Pro143Ala (NM_001205319.1); short protein forms P143A, P251A.
Identifiers: ClinVar variation 4808347 (VCV004808347.1).